The following is an entry in ClinVar:

NM_002693.3(POLG):c.3503T>G (p.Leu1168Arg)

Gene: POLG (DNA polymerase gamma, catalytic subunit; minus strand). Cytogenetic location: 15q26.1.
Variant type: single nucleotide variant.
Coding change: c.3503T>G on transcript NM_002693.3 (MANE Select); coding-DNA position 3503, T replaced by G.
Protein change: p.Leu1168Arg; replaces leucine 1168 with arginine.
Molecular consequence: missense variant.
Genome position (GRCh38, 1-based): chr15:89,317,516, A>C on the plus strand (T>G on the coding strand, the complement: POLG is on the minus strand). VCF-style: chr15-89317516-A-C. GRCh37 (hg19) VCF-style: chr15-89860747-A-C.
Other names: c.3503T>G, p.Leu1168Arg (NM_001126131.2); short protein forms L1168R.
Identifiers: ClinVar variation 2645686 (VCV002645686.26), dbSNP rs1353994785, ClinGen allele CA393748069.

ClinVar aggregate classification (germline): Uncertain significance. Review status: criteria provided, multiple submitters, no conflicts (2 of 4 stars). 2 submissions from 2 submitters: Uncertain significance (2). Last evaluated 2024-12-24.

Conditions:
Progressive sclerosing poliodystrophy (MTDPS4A). Also called: ALPERS PROGRESSIVE INFANTILE POLIODYSTROPHY; NEURONAL DEGENERATION OF CHILDHOOD WITH LIVER DISEASE, PROGRESSIVE; Alpers Syndrome; ALPERS DIFFUSE DEGENERATION OF CEREBRAL GRAY MATTER WITH HEPATIC CIRRHOSIS; Alpers-Huttenlocher Syndrome; Mitochondrial DNA depletion syndrome 4A (Alpers type). Identifiers: Orphanet 726, MedGen C0205710, MONDO:0008758, OMIM 203700.

Allele frequency attached by ClinVar (database versions not stated): gnomAD exomes below 0.00001.
gnomAD v4.1: 1 of 1,614,190 alleles (0.000062%); highest among the groups gnomAD compares: Non-Finnish European, 0.000085%; no homozygotes.

Submissions (2):

Labcorp Genetics (formerly Invitae), Labcorp
Classification: Uncertain significance for Progressive sclerosing poliodystrophy. Last evaluated: 2024-12-24. Review status: criteria provided, single submitter. Criteria: Invitae Variant Classification Sherloc (09022015). Collection method: clinical testing. Allele origin: germline.
Comment: This sequence change replaces leucine, which is neutral and non-polar, with arginine, which is basic and polar, at codon 1168 of the POLG protein (p.Leu1168Arg). This variant is present in population databases (no rsID available, gnomAD 0.0009%). This variant has not been reported in the literature in individuals affected with POLG-related conditions. ClinVar contains an entry for this variant (Variation ID: 2645686). Invitae Evidence Modeling of protein sequence and biophysical properties (such as structural, functional, and spatial information, amino acid conservation, physicochemical variation, residue mobility, and thermodynamic stability) indicates that this missense variant is expected to disrupt POLG protein function with a positive predictive value of 95%. In summary, the available evidence is currently insufficient to determine the role of this variant in disease. Therefore, it has been classified as a Variant of Uncertain Significance.

CeGaT Center for Human Genetics Tuebingen
Classification: Uncertain significance. Last evaluated: 2022-10-01. Review status: criteria provided, single submitter. Criteria: CeGaT Center For Human Genetics Tuebingen Variant Classification Criteria Version 2. Collection method: clinical testing. Allele origin: germline. Affected: yes. Observed: 1 variant allele.
Comment: POLG: PM2